The following is an entry in ClinVar:

ClinVar aggregate classification (germline): Uncertain significance. Review status: criteria provided, multiple submitters, no conflicts (2 of 4 stars). 2 submissions from 2 submitters: Uncertain significance (2). Last evaluated 2025-12-15.

Conditions:
Nephrotic syndrome, type 6 (NPHS6). Identifiers: Orphanet 656, MedGen C3280100, MONDO:0013619, OMIM 614196.

Allele frequency attached by ClinVar (database versions not stated): gnomAD exomes below 0.00001; ExAC 0.00003; TOPMed below 0.00001.
gnomAD v4.1: 5 of 1,611,712 alleles (0.00031%); highest among the groups gnomAD compares: Admixed American, 0.0083%; no homozygotes.

Submissions (2):

Labcorp Genetics (formerly Invitae), Labcorp
Classification: Uncertain significance. Last evaluated: 2025-12-15. Review status: criteria provided, single submitter. Criteria: Invitae Variant Classification Sherloc (09022015). Collection method: clinical testing. Allele origin: germline.
Comment: This sequence change replaces leucine, which is neutral and non-polar, with tryptophan, which is neutral and slightly polar, at codon 541 of the PTPRO protein (p.Leu541Trp). This variant is present in population databases (rs775350430, gnomAD 0.01%). This variant has not been reported in the literature in individuals affected with PTPRO-related conditions. ClinVar contains an entry for this variant (Variation ID: 2851480). An algorithm developed to predict the effect of missense changes on protein structure and function (PolyPhen-2) suggests that this variant is likely to be disruptive. In summary, the available evidence is currently insufficient to determine the role of this variant in disease. Therefore, it has been classified as a Variant of Uncertain Significance.

Fulgent Genetics
Classification: Uncertain significance for Nephrotic syndrome, type 6. Last evaluated: 2024-04-15. Review status: criteria provided, single submitter. Criteria: ACMG Guidelines, 2015. Collection method: clinical testing. Allele origin: germline.

NM_030667.3(PTPRO):c.1622T>G (p.Leu541Trp)

Gene: PTPRO (protein tyrosine phosphatase receptor type O; plus strand). Cytogenetic location: 12p12.3.
Variant type: single nucleotide variant.
Coding change: c.1622T>G on transcript NM_030667.3 (MANE Select); coding-DNA position 1622, T replaced by G.
Protein change: p.Leu541Trp; replaces leucine 541 with tryptophan.
Molecular consequence: missense variant.
Genome position (GRCh38, 1-based): chr12:15,516,799, T>G. VCF-style: chr12-15516799-T-G. GRCh37 (hg19) VCF-style: chr12-15669733-T-G.
Other names: c.1622T>G, p.Leu541Trp (NM_002848.4); short protein forms L541W.
Identifiers: ClinVar variation 2851480 (VCV002851480.4), dbSNP rs775350430, ClinGen allele CA6466570.